The following is an entry in ClinVar:

NM_002528.7(NTHL1):c.686-99G>A

Gene: NTHL1 (nth like DNA glycosylase 1; minus strand). Cytogenetic location: 16p13.3.
Variant type: single nucleotide variant.
Coding change: c.686-99G>A on transcript NM_002528.7 (MANE Select); 99 bases into the intron before coding-DNA position 686, G replaced by A.
Molecular consequence: intron variant.
Genome position (GRCh38, 1-based): chr16:2,040,337, C>T on the plus strand (G>A on the coding strand, the complement: NTHL1 is on the minus strand). VCF-style: chr16-2040337-C-T. GRCh37 (hg19) VCF-style: chr16-2090338-C-T.
Other names: c.356-99G>A (NM_001318194.2); c.515-99G>A (NM_001318193.2).
Identifiers: ClinVar variation 679779 (VCV000679779.1), dbSNP rs115635561, ClinGen allele CA276761906.

ClinVar aggregate classification (germline): Likely benign (1 of 4 stars; one submission).

Allele frequency attached by ClinVar (database versions not stated): gnomAD exomes 0.00056; 1000 Genomes Project 0.00379; gnomAD 0.00433 and 0.00468; 1000 Genomes Project 30x 0.00437; TOPMed 0.00544.
gnomAD v4.1: 1,202 of 1,094,540 alleles (0.11%); highest among the groups gnomAD compares: African/African-American, 1.5%; 9 homozygotes.

Submission:

GeneDx
Classification: Likely benign. Last evaluated: 2018-06-14. Review status: criteria provided, single submitter. Criteria: GeneDx Variant Classification (06012015). Collection method: clinical testing. Allele origin: germline. Affected: yes.
Comment: This variant is considered likely benign or benign based on one or more of the following criteria: it is a conservative change, it occurs at a poorly conserved position in the protein, it is predicted to be benign by multiple in silico algorithms, and/or has population frequency not consistent with disease.